The following is an entry in ClinVar:

ClinVar aggregate classification (germline): Pathogenic. Review status: criteria provided, multiple submitters, no conflicts (2 of 4 stars). 3 submissions from 3 submitters: Pathogenic (2). 1 of the submissions does not count toward it. Last evaluated 2023-02-22.

Conditions:
Supravalvar aortic stenosis (SVAS). Also called: Supravalvar aortic stenosis, Eisenberg type. Identifiers: Orphanet 3193, MedGen C0003499, MONDO:0008504, OMIM 185500, HP:0004381.

Submissions (3):

Labcorp Genetics (formerly Invitae), Labcorp
Classification: Pathogenic for Supravalvar aortic stenosis. Last evaluated: 2023-02-22. Review status: criteria provided, single submitter. Criteria: Invitae Variant Classification Sherloc (09022015). Collection method: clinical testing. Allele origin: germline.
Comment: ClinVar contains an entry for this variant (Variation ID: 16730). For these reasons, this variant has been classified as Pathogenic. This premature translational stop signal has been observed in individual(s) with supravalvular aortic stenosis (PMID: 10190538). This variant is not present in population databases (gnomAD no frequency). This sequence change creates a premature translational stop signal (p.Pro347Glnfs*117) in the ELN gene. It is expected to result in an absent or disrupted protein product. Loss-of-function variants in ELN are known to be pathogenic (PMID: 11175284).

GeneDx
Classification: Pathogenic. Last evaluated: 2018-08-22. Review status: criteria provided, single submitter. Criteria: GeneDx Variant Classification (06012015). Collection method: clinical testing. Allele origin: germline. Affected: yes.
Comment: The c.1040delC pathogenic variant in the ELN gene has been previously reported to segregate with disease in several individuals from a large family with supravalvular aortic stenosis (Boeckel et al., 1999). In addition, this variant is not observed in large population cohorts (Lek et al., 2016). This variant causes a frameshift starting with codon proline 347, changes this amino acid to a glutamine residue and creates a premature Stop codon at position 127 of the new reading frame, denoted p.Pro347GlnfsX127. This pathogenic variant is predicted to cause loss of normal protein function either through protein truncation or nonsense-mediated mRNA decay. Other frameshift variants in the ELN gene have been reported in the Human Gene Mutation Database in association with supravalvular aortic stenosis (Stenson et al., 2014), indicating that loss of function is a mechanism of disease for this gene.

OMIM
Classification: Pathogenic for SUPRAVALVULAR AORTIC STENOSIS. Last evaluated: 1999-04-01. Review status: no assertion criteria provided. Collection method: literature only. Allele origin: germline. Not counted in ClinVar's aggregate classification.

Literature cited by the submitters: PubMed 10190538 (cited by Labcorp Genetics (formerly Invitae), Labcorp and OMIM); PubMed 11175284 (cited by Labcorp Genetics (formerly Invitae), Labcorp); PubMed 9215671 (cited by OMIM).

NM_000501.4(ELN):c.1040del (p.Pro347fs)

Gene: ELN (elastin; plus strand). Cytogenetic location: 7q11.23.
Variant type: Deletion.
Coding change: c.1040del on transcript NM_000501.4 (MANE Select); coding-DNA position 1040, one base deleted (C; older notation c.1040delC).
Protein change: p.Pro347fs; shifts the reading frame from proline 347.
Molecular consequence: frameshift variant.
Genome position (GRCh38, 1-based): chr7:74,053,253, C deleted; the last of 3 consecutive C bases (chr7:74,053,251-74,053,253); deleting any one gives the same sequence. VCF-style (leftmost placement, unchanged base first): chr7-74053250-TC-T. GRCh37 (hg19) VCF-style: chr7-73467580-TC-T.
Other names: c.1010del, p.Pro337fs (NM_001081752.3, NM_001278917.2); c.1055del, p.Pro352fs (NM_001081753.3, NM_001081754.3); c.1040del, p.Pro347fs (NM_001081755.3, NM_001278912.2, NM_001278915.2 and 1 more transcripts); c.932del, p.Pro311fs (NM_001278913.2); c.1025del, p.Pro342fs (NM_001278914.2); c.998del, p.Pro333fs (NM_001278916.2); c.908del, p.Pro303fs (NM_001278918.2); c.1040delC (NM_001278939.1); short protein forms P337fs, P342fs, P311fs, P333fs, P347fs, P303fs, P352fs.
Identifiers: ClinVar variation 16730 (VCV000016730.6), dbSNP rs1563826213, ClinGen allele CA913189548.
Genomic context (GRCh38, chr7:74,053,250, plus strand): 5'-GGCCAGGCTTTGGCCCGGGAGTAGTTGGTGTCCCAGGAGCTGGCGTTCCAGGTGTTGGTG[TC>T]CCAGGAGCTGGGATTCCAGTTGTCCCAGGTGCTGGGATCCCAGGTGCTGCGGTTCCAGGT-3'